The following is an entry in ClinVar:

NM_001457.4(FLNB):c.6010C>T (p.Arg2004Ter)

Gene: FLNB (filamin B; plus strand). Cytogenetic location: 3p14.3.
Variant type: single nucleotide variant.
Coding change: c.6010C>T on transcript NM_001457.4 (MANE Select); coding-DNA position 6010, C replaced by T.
Protein change: p.Arg2004Ter; replaces arginine 2004 with a stop codon.
Molecular consequence: nonsense.
Genome position (GRCh38, 1-based): chr3:58,148,771, C>T. VCF-style: chr3-58148771-C-T. GRCh37 (hg19) VCF-style: chr3-58134498-C-T.
Other names: c.6103C>T, p.Arg2035Ter (NM_001164317.2); c.5977C>T, p.Arg1993Ter (NM_001164318.2); c.5938C>T, p.Arg1980Ter (NM_001164319.2); short protein forms R2004*, R1993*, R2035*, R1980*.
Identifiers: ClinVar variation 6407 (VCV000006407.15), dbSNP rs121908897, ClinGen allele CA253861.

ClinVar aggregate classification (germline): Pathogenic. Review status: criteria provided, single submitter (1 of 4 stars). 2 submissions from 2 submitters: Pathogenic (1). 1 of the submissions does not count toward it. Last evaluated 2024-11-01.

Conditions:
Spondylocarpotarsal synostosis syndrome (SCT). Also called: VERTEBRAL FUSION WITH CARPAL COALITION; SPONDYLOCARPOTARSAL SYNDROME; Spondylocarpotarsal Synostosis Syndrome (FLNB-SCT); Synspondylism congenital; Scoliosis, congenital with unilateral unsegmented bar. Identifiers: Orphanet 3275, MedGen C1848934, MONDO:0010094, OMIM 272460.

Allele frequency attached by ClinVar (database versions not stated): gnomAD exomes below 0.00001.
gnomAD v4.1: 7 of 1,614,104 alleles (0.00043%); highest among the groups gnomAD compares: East Asian, 0.0045%; no homozygotes.

Submissions (2):

CeGaT Center for Human Genetics Tuebingen
Classification: Pathogenic. Last evaluated: 2024-11-01. Review status: criteria provided, single submitter. Criteria: CeGaT Center For Human Genetics Tuebingen Variant Classification Criteria Version 2. Collection method: clinical testing. Allele origin: germline. Affected: yes. Observed: 1 variant allele.
Comment: FLNB: PVS1, PM2

OMIM
Classification: Pathogenic for SPONDYLOCARPOTARSAL SYNOSTOSIS SYNDROME. Last evaluated: 2008-03-15. Review status: no assertion criteria provided. Collection method: literature only. Allele origin: germline. Not counted in ClinVar's aggregate classification.

Literature cited by the submitters: PubMed 18257094 (cited by OMIM).